The following is an entry in ClinVar:

ClinVar aggregate classification (germline): Pathogenic/Likely pathogenic. Review status: criteria provided, multiple submitters, no conflicts (2 of 4 stars). 6 submissions from 6 submitters: Pathogenic (4); Likely pathogenic (2). Last evaluated 2025-11-18.

Conditions:
3-methylcrotonyl-CoA carboxylase 1 deficiency (MCC1D). Also called: MCCD TYPE 1; MCC 1 deficiency; 3 Alpha methylcrotonylglycinuria 1; METHYLCROTONYLGLYCINURIA TYPE I. Identifiers: Orphanet 6, MedGen CN028786, MONDO:0008861, OMIM 210200.

Submissions (6):

Natera, Inc.
Classification: Pathogenic for 3-methylcrotonyl-CoA carboxylase 1 deficiency. Last evaluated: 2025-11-18. Review status: criteria provided, single submitter. Criteria: Natera Variant Classification Schema (03/2026). Collection method: clinical testing. Allele origin: germline.
Comment: The c.1074delG variant in MCCC1 is a frameshift variant predicted to shift the reading frame beginning at codon 358 and leads to a stop codon 13 codons downstream. This variant is expected to result in nonsense mediated decay, truncation, or a dysfunctional protein product. This variant is rare in the general population with a frequency below the threshold expected for the associated phenotype(s). This variant has been observed in one or more individuals affected with the associated recessive disease, as either homozygous or compound heterozygous with a second variant (PMID: 40639867). Given the available evidence, this variant is classified as Pathogenic.

Baylor Genetics
Classification: Pathogenic for 3-methylcrotonyl-CoA carboxylase 1 deficiency. Last evaluated: 2024-03-30. Review status: criteria provided, single submitter. Criteria: ACMG Guidelines, 2015. Collection method: clinical testing. Allele origin: unknown.

Fulgent Genetics
Classification: Likely pathogenic for 3-methylcrotonyl-CoA carboxylase 1 deficiency. Last evaluated: 2024-03-06. Review status: criteria provided, single submitter. Criteria: ACMG Guidelines, 2015. Collection method: clinical testing. Allele origin: germline.

Labcorp Genetics (formerly Invitae), Labcorp
Classification: Pathogenic for 3-methylcrotonyl-CoA carboxylase 1 deficiency. Last evaluated: 2023-09-23. Review status: criteria provided, single submitter. Criteria: Invitae Variant Classification Sherloc (09022015). Collection method: clinical testing. Allele origin: germline.
Comment: For these reasons, this variant has been classified as Pathogenic. ClinVar contains an entry for this variant (Variation ID: 95938). This variant has not been reported in the literature in individuals affected with MCCC1-related conditions. This variant is present in population databases (rs398124350, gnomAD 0.007%). This sequence change creates a premature translational stop signal (p.Trp358Cysfs*13) in the MCCC1 gene. It is expected to result in an absent or disrupted protein product. Loss-of-function variants in MCCC1 are known to be pathogenic (PMID: 11181649, 15359379, 22642865).

Revvity Omics, Revvity
Classification: Likely pathogenic for 3-methylcrotonyl-CoA carboxylase 1 deficiency. Last evaluated: 2023-02-10. Review status: criteria provided, single submitter. Criteria: ACMG Guidelines, 2015. Collection method: clinical testing. Allele origin: germline.

Eurofins Ntd Llc (ga)
Classification: Pathogenic. Last evaluated: 2013-09-06. Review status: criteria provided, single submitter. Criteria: EGL Classification Definitions. Collection method: clinical testing. Allele origin: germline. Observed: 1 variant allele, 1 heterozygote.

Literature cited by the submitters: PubMed 40639867 (cited by Natera, Inc.); PubMed 11181649 (cited by Labcorp Genetics (formerly Invitae), Labcorp); PubMed 15359379 (cited by Labcorp Genetics (formerly Invitae), Labcorp); PubMed 22642865 (cited by Labcorp Genetics (formerly Invitae), Labcorp).

NM_020166.5(MCCC1):c.1074del (p.Trp358fs)

Gene: MCCC1 (methylcrotonyl-CoA carboxylase subunit 1; minus strand). Cytogenetic location: 3q27.1.
Variant type: Deletion.
Coding change: c.1074del on transcript NM_020166.5 (MANE Select); coding-DNA position 1074, one base deleted (G; older notation c.1074delG).
Protein change: p.Trp358fs; shifts the reading frame from tryptophan 358.
Molecular consequence: frameshift variant. On other transcripts: non-coding transcript variant (2).
Genome position (GRCh38, 1-based): chr3:183,045,422, C deleted on the plus strand (G on the coding strand, the reverse complement: MCCC1 is on the minus strand); the first of 2 consecutive C bases (chr3:183,045,422-183,045,423); deleting either gives the same sequence. VCF-style (leftmost placement, unchanged base first): chr3-183045421-GC-G. GRCh37 (hg19) VCF-style: chr3-182763209-GC-G.
Other names: c.723del, p.Trp241fs (NM_001293273.2); c.747del, p.Trp249fs (NM_001363880.1); c.1074del (NM_020166.4); short protein forms W249fs, W241fs, W358fs.
Identifiers: ClinVar variation 95938 (VCV000095938.20), dbSNP rs398124350, ClinGen allele CA223557.